The following is an entry in ClinVar:

NM_001365999.1(SZT2):c.7596T>G (p.Phe2532Leu)

Gene: SZT2 (SZT2 subunit of KICSTOR complex; plus strand). Cytogenetic location: 1p34.2.
Variant type: single nucleotide variant.
Coding change: c.7596T>G on transcript NM_001365999.1 (MANE Select); coding-DNA position 7596, T replaced by G.
Protein change: p.Phe2532Leu; replaces phenylalanine 2532 with leucine.
Molecular consequence: missense variant.
Genome position (GRCh38, 1-based): chr1:43,441,588, T>G. VCF-style: chr1-43441588-T-G. GRCh37 (hg19) VCF-style: chr1-43907259-T-G.
Other names: c.7425T>G, p.Phe2475Leu (NM_015284.4); short protein forms F2475L, F2532L.
Identifiers: ClinVar variation 1042430 (VCV001042430.9), dbSNP rs1655065818, ClinGen allele CA340035426.

ClinVar aggregate classification (germline): Uncertain significance (1 of 4 stars; one submission).

gnomAD v4.1: 1 of 1,614,124 alleles (0.000062%); highest among the groups gnomAD compares: East Asian, 0.0022%; no homozygotes.

Submission:

Labcorp Genetics (formerly Invitae), Labcorp
Classification: Uncertain significance. Last evaluated: 2020-01-27. Review status: criteria provided, single submitter. Criteria: Invitae Variant Classification Sherloc (09022015). Collection method: clinical testing. Allele origin: germline.
Comment: This variant has not been reported in the literature in individuals with SZT2-related conditions. In summary, the available evidence is currently insufficient to determine the role of this variant in disease. Therefore, it has been classified as a Variant of Uncertain Significance. Algorithms developed to predict the effect of missense changes on protein structure and function are either unavailable or do not agree on the potential impact of this missense change (SIFT: "Deleterious"; PolyPhen-2: "Benign"; Align-GVGD: "Class C0"). This sequence change replaces phenylalanine with leucine at codon 2475 of the SZT2 protein (p.Phe2475Leu). The phenylalanine residue is highly conserved and there is a small physicochemical difference between phenylalanine and leucine. This variant is not present in population databases (ExAC no frequency).